The following is an entry in ClinVar:

NM_020778.5(ALPK3):c.4489G>A (p.Glu1497Lys)

Gene: ALPK3 (alpha kinase 3; plus strand). Cytogenetic location: 15q25.3.
Variant type: single nucleotide variant.
Coding change: c.4489G>A on transcript NM_020778.5 (MANE Select); coding-DNA position 4489, G replaced by A.
Protein change: p.Glu1497Lys; replaces glutamic acid 1497 with lysine.
Molecular consequence: missense variant.
Genome position (GRCh38, 1-based): chr15:84,863,630, G>A. VCF-style: chr15-84863630-G-A. GRCh37 (hg19) VCF-style: chr15-85406861-G-A.
Other names: short protein forms E1497K.
Identifiers: ClinVar variation 1373173 (VCV001373173.9), dbSNP rs201240006, ClinGen allele CA7709985.
Genomic context (GRCh38, chr15:84,863,630, plus strand): 5'-ATGAGTCGGGAGTACTGCAAAATCTTCGCAGCAGAAGCCCGGGCCGCGCCTGGCTTTGGG[G>A]AGGTGCCTGAGTAAGTACGCAGCGAGGAGGACGTGCAGTGTGCAGCACTGTTGCCTTGGG-3'
Protein context (NP_065829.4, residues 1487-1507): AEARAAPGFG[Glu1497Lys]VPEIIPLYLI

ClinVar aggregate classification (germline): Uncertain significance. Review status: criteria provided, multiple submitters, no conflicts (2 of 4 stars). 4 submissions from 4 submitters: Uncertain significance (4). Last evaluated 2026-03-18.

Conditions:
ALPK3-related disorder. Also called: ALPK3-related condition.
Cardiovascular phenotype. Identifiers: MedGen CN230736.

Allele frequency attached by ClinVar (database versions not stated): ExAC 0.00001; gnomAD exomes 0.00002 and 0.00005; gnomAD 0.00004 and 0.00005; TOPMed 0.00005.
gnomAD v4.1: 85 of 1,613,900 alleles (0.0053%); highest among the groups gnomAD compares: Non-Finnish European, 0.0063%; no homozygotes.

Submissions (4):

PreventionGenetics, part of Exact Sciences
Classification: Uncertain significance for ALPK3-related condition. Last evaluated: 2026-03-18. Review status: criteria provided, single submitter. Criteria: ACMG Guidelines, 2015. Collection method: clinical testing. Allele origin: germline.
Comment: The ALPK3 c.5095G>A variant is predicted to result in the amino acid substitution p.Glu1699Lys. To our knowledge, this variant has not been reported in the literature. This variant is reported in 0.0039% of alleles in individuals of European (Non-Finnish) descent in gnomAD. At this time, the clinical significance of this variant is uncertain due to the absence of conclusive functional and genetic evidence.

Labcorp Genetics (formerly Invitae), Labcorp
Classification: Uncertain significance. Last evaluated: 2025-12-28. Review status: criteria provided, single submitter. Criteria: Invitae Variant Classification Sherloc (09022015). Collection method: clinical testing. Allele origin: germline.
Comment: This sequence change replaces glutamic acid, which is acidic and polar, with lysine, which is basic and polar, at codon 1699 of the ALPK3 protein (p.Glu1699Lys). The frequency data for this variant in the population databases is considered unreliable, as metrics indicate poor data quality at this position in the gnomAD database. This variant has not been reported in the literature in individuals affected with ALPK3-related conditions. ClinVar contains an entry for this variant (Variation ID: 1373173). Invitae Evidence Modeling of protein sequence and biophysical properties (such as structural, functional, and spatial information, amino acid conservation, physicochemical variation, residue mobility, and thermodynamic stability) indicates that this missense variant is expected to disrupt ALPK3 protein function with a positive predictive value of 80%. In summary, the available evidence is currently insufficient to determine the role of this variant in disease. Therefore, it has been classified as a Variant of Uncertain Significance.

Ambry Genetics
Classification: Uncertain significance for Cardiovascular phenotype. Last evaluated: 2024-03-04. Review status: criteria provided, single submitter. Criteria: Ambry Variant Classification Scheme 2023. Collection method: clinical testing. Allele origin: germline.
Comment: The p.E1699K variant (also known as c.5095G>A), located in coding exon 11 of the ALPK3 gene, results from a G to A substitution at nucleotide position 5095. The glutamic acid at codon 1699 is replaced by lysine, an amino acid with similar properties. This amino acid position is conserved. In addition, this alteration is predicted to be tolerated by in silico analysis. Since supporting evidence is limited at this time, the clinical significance of this alteration remains unclear.

GeneDx
Classification: Uncertain significance. Last evaluated: 2023-03-21. Review status: criteria provided, single submitter. Criteria: GeneDx Variant Classification Process June 2021. Collection method: clinical testing. Allele origin: germline. Affected: yes.
Comment: In silico analysis supports that this missense variant has a deleterious effect on protein structure/function; Has not been previously published as pathogenic or benign to our knowledge